The following is an entry in ClinVar:

ClinVar aggregate classification (germline): Uncertain significance (1 of 4 stars; one submission).

Conditions:
Immunodeficiency 35 (IMD35). Also called: TYK2 DEFICIENCY; Susceptibility to infection due to TYK2 deficiency; HIES WITH ATYPICAL MYCOBACTERIOSIS, AUTOSOMAL RECESSIVE; HYPER-IgE SYNDROME WITH ATYPICAL MYCOBACTERIOSIS, AUTOSOMAL RECESSIVE. Identifiers: Orphanet 331226, MedGen C1969086, MONDO:0012682, OMIM 611521.

Submission:

Labcorp Genetics (formerly Invitae), Labcorp
Classification: Uncertain significance for Immunodeficiency 35. Last evaluated: 2025-04-07. Review status: criteria provided, single submitter. Criteria: Invitae Variant Classification Sherloc (09022015). Collection method: clinical testing. Allele origin: germline.
Comment: This sequence change replaces glutamic acid with glutamine at codon 287 of the TYK2 protein (p.Glu287Gln). The glutamic acid residue is highly conserved and there is a small physicochemical difference between glutamic acid and glutamine. This variant is not present in population databases (gnomAD no frequency). This variant has not been reported in the literature in individuals affected with TYK2-related conditions. ClinVar contains an entry for this variant (Variation ID: 1378465). An algorithm developed to predict the effect of missense changes on protein structure and function (PolyPhen-2) suggests that this variant is likely to be tolerated. In summary, the available evidence is currently insufficient to determine the role of this variant in disease. Therefore, it has been classified as a Variant of Uncertain Significance.

NM_003331.5(TYK2):c.859G>C (p.Glu287Gln)

Gene: TYK2 (tyrosine kinase 2; minus strand). Cytogenetic location: 19p13.2.
Variant type: single nucleotide variant.
Coding change: c.859G>C on transcript NM_003331.5 (MANE Select); coding-DNA position 859, G replaced by C.
Protein change: p.Glu287Gln; replaces glutamic acid 287 with glutamine.
Molecular consequence: missense variant.
Genome position (GRCh38, 1-based): chr19:10,365,669, C>G on the plus strand (G>C on the coding strand, the complement: TYK2 is on the minus strand). VCF-style: chr19-10365669-C-G. GRCh37 (hg19) VCF-style: chr19-10476345-C-G.
Other names: c.859G>C, p.Glu287Gln (NM_001385197.1, NM_001385198.1, NM_001385199.1 and 7 more transcripts); c.769G>C, p.Glu257Gln (NM_001385205.1); short protein forms E257Q, E287Q.
Identifiers: ClinVar variation 1378465 (VCV001378465.6), dbSNP rs1415920933, ClinGen allele CA404016586.